The following is an entry in ClinVar:

NM_007335.4(DLEC1):c.578G>A (p.Arg193Lys)

Gene: DLEC1 (DLEC1 cilia and flagella associated protein; plus strand). Cytogenetic location: 3p22.2.
Variant type: single nucleotide variant.
Coding change: c.578G>A on transcript NM_007335.4 (MANE Select); coding-DNA position 578, G replaced by A.
Protein change: p.Arg193Lys; replaces arginine 193 with lysine.
Molecular consequence: missense variant.
Genome position (GRCh38, 1-based): chr3:38,059,757, G>A. VCF-style: chr3-38059757-G-A. GRCh37 (hg19) VCF-style: chr3-38101248-G-A.
Other names: c.578G>A (NM_007337.2); c.578G>A, p.Arg193Lys (NM_001321153.2, NM_005106.2, NM_007337.4); short protein forms R193K.
Identifiers: ClinVar variation 2653662 (VCV002653662.25), dbSNP rs76603930, ClinGen allele CA2313753.

ClinVar aggregate classification (germline): Conflicting classifications of pathogenicity. Review status: criteria provided, conflicting classifications (1 of 4 stars). 2 submissions from 2 submitters: Uncertain significance (1); Likely benign (1). Last evaluated 2026-06-01.

Allele frequency attached by ClinVar (database versions not stated): gnomAD exomes 0.00031; ExAC 0.00082; ESP Exome Variant Server 0.00198; gnomAD 0.00203; TOPMed 0.00218; 1000 Genomes Project 0.00280; 1000 Genomes Project 30x 0.00297.
gnomAD v4.1: 798 of 1,614,072 alleles (0.049%); highest among the groups gnomAD compares: African/African-American, 0.74%; 4 homozygotes.

Submissions (2):

CeGaT Center for Human Genetics Tuebingen
Classification: Likely benign. Last evaluated: 2026-06-01. Review status: criteria provided, single submitter. Criteria: CeGaT Center For Human Genetics Tuebingen Variant Classification Criteria Version 2. Collection method: clinical testing. Allele origin: germline. Affected: yes. Observed: 2 variant alleles.
Comment: DLEC1: BP4

Ambry Genetics
Classification: Uncertain significance. Last evaluated: 2025-08-04. Review status: criteria provided, single submitter. Criteria: Ambry Variant Classification Scheme 2023. Collection method: clinical testing. Allele origin: germline.